The following is an entry in ClinVar:

ClinVar aggregate classification (germline): Uncertain significance (1 of 4 stars; one submission).

Conditions:
Myoclonic dystonia 26. Identifiers: MedGen C4225341, MONDO:0014620, OMIM 616398.

Allele frequency attached by ClinVar (database versions not stated): ExAC 0.00005; ESP Exome Variant Server 0.00008; TOPMed 0.00008; gnomAD 0.00009; 1000 Genomes Project 30x 0.00031; 1000 Genomes Project 0.00040.
gnomAD v4.1: 56 of 1,613,072 alleles (0.0035%); highest among the groups gnomAD compares: Middle Eastern, 0.033%; no homozygotes.

Submission:

Labcorp Genetics (formerly Invitae), Labcorp
Classification: Uncertain significance for Myoclonic dystonia 26. Last evaluated: 2026-01-05. Review status: criteria provided, single submitter. Criteria: Invitae Variant Classification Sherloc (09022015). Collection method: clinical testing. Allele origin: germline.
Comment: This sequence change replaces threonine, which is neutral and polar, with methionine, which is neutral and non-polar, at codon 134 of the KCTD17 protein (p.Thr134Met). This variant is present in population databases (rs370855894, gnomAD 0.02%). This variant has not been reported in the literature in individuals affected with KCTD17-related conditions. ClinVar contains an entry for this variant (Variation ID: 2041567). Invitae Evidence Modeling of protein sequence and biophysical properties (such as structural, functional, and spatial information, amino acid conservation, physicochemical variation, residue mobility, and thermodynamic stability) indicates that this missense variant is not expected to disrupt KCTD17 protein function with a negative predictive value of 80%. In summary, the available evidence is currently insufficient to determine the role of this variant in disease. Therefore, it has been classified as a Variant of Uncertain Significance.

NM_001282684.2(KCTD17):c.380C>T (p.Thr127Met)

Gene: KCTD17 (potassium channel tetramerization domain containing 17; plus strand). Cytogenetic location: 22q12.3.
Variant type: single nucleotide variant.
Coding change: c.380C>T on transcript NM_001282684.2 (MANE Select); coding-DNA position 380, C replaced by T.
Protein change: p.Thr127Met; replaces threonine 127 with methionine.
Molecular consequence: missense variant.
Genome position (GRCh38, 1-based): chr22:37,056,401, C>T. VCF-style: chr22-37056401-C-T. GRCh37 (hg19) VCF-style: chr22-37452441-C-T.
Other names: c.380C>T, p.Thr127Met (NM_001282685.2, NM_001282686.2, NM_024681.4); short protein forms T127M.
Identifiers: ClinVar variation 2041567 (VCV002041567.4), dbSNP rs370855894, ClinGen allele CA10215005.